The following is an entry in ClinVar:

ClinVar aggregate classification (germline): Likely benign. Review status: criteria provided, single submitter (1 of 4 stars). 2 submissions from 2 submitters: Likely benign (1). 1 of the submissions does not count toward it. Last evaluated 2025-12-24.

Conditions:
Peroxisome biogenesis disorder 2B (PBD2B). Identifiers: Orphanet 44, MedGen C3550234, MONDO:0008736, OMIM 202370.
PEX5-related disorder. Also called: PEX5-Related Disorders; PEX5-related condition.

Allele frequency attached by ClinVar (database versions not stated): ExAC 0.00001; gnomAD exomes below 0.00001.
gnomAD v4.1: 4 of 1,614,026 alleles (0.00025%); highest among the groups gnomAD compares: Middle Eastern, 0.033%; no homozygotes.

Submissions (2):

Labcorp Genetics (formerly Invitae), Labcorp
Classification: Likely benign for Peroxisome biogenesis disorder 2B. Last evaluated: 2025-12-24. Review status: criteria provided, single submitter. Criteria: Invitae Variant Classification Sherloc (09022015). Collection method: clinical testing. Allele origin: germline.

PreventionGenetics, part of Exact Sciences
Classification: Likely benign for PEX5-related condition. Last evaluated: 2024-02-12. Review status: no assertion criteria provided. Collection method: clinical testing. Allele origin: germline. Not counted in ClinVar's aggregate classification.
Comment: This variant is classified as likely benign based on ACMG/AMP sequence variant interpretation guidelines (Richards et al. 2015 PMID: 25741868, with internal and published modifications).

NM_001351132.2(PEX5):c.317-10C>T

Gene: PEX5 (peroxisomal biogenesis factor 5; plus strand). Cytogenetic location: 12p13.31.
Variant type: single nucleotide variant.
Coding change: c.317-10C>T on transcript NM_001351132.2 (MANE Select); 10 bases into the intron before coding-DNA position 317, C replaced by T.
Molecular consequence: intron variant.
Genome position (GRCh38, 1-based): chr12:7,191,559, C>T. VCF-style: chr12-7191559-C-T. GRCh37 (hg19) VCF-style: chr12-7344155-C-T.
Other names: c.317-10C>T (NM_001131025.1, NM_001351124.3, NM_001131026.2 and 20 more transcripts); c.362-10C>T (NM_001351135.3, NM_001131023.2, NM_001351138.2).
Identifiers: ClinVar variation 2725127 (VCV002725127.5), dbSNP rs960062851, ClinGen allele CA6426110.